The following is an entry in ClinVar:

NM_020937.4(FANCM):c.2908G>A (p.Val970Ile)

Gene: FANCM (FA complementation group M; plus strand). Cytogenetic location: 14q21.2.
Variant type: single nucleotide variant.
Coding change: c.2908G>A on transcript NM_020937.4 (MANE Select); coding-DNA position 2908, G replaced by A.
Protein change: p.Val970Ile; replaces valine 970 with isoleucine.
Molecular consequence: missense variant.
Genome position (GRCh38, 1-based): chr14:45,175,662, G>A. VCF-style: chr14-45175662-G-A. GRCh37 (hg19) VCF-style: chr14-45644865-G-A.
Other names: c.2830G>A, p.Val944Ile (NM_001308133.2); short protein forms V970I, V944I.
Identifiers: ClinVar variation 2165310 (VCV002165310.3), dbSNP rs1245895480, ClinGen allele CA389599445.
Genomic context (GRCh38, chr14:45,175,662, plus strand): 5'-AATGATGAAAAATCTGTTTCATCTAACTTATTTCTTCCATTCGAAGAAGAGCTTTATATT[G>A]TTAGAACAGATGACCAATTTTATAATTGTCACTCATTGACAAAAGAGGTACTAGCTAATG-3'
Protein context (NP_065988.1, residues 960-980): FLPFEEELYI[Val970Ile]RTDDQFYNCH

ClinVar aggregate classification (germline): Uncertain significance. Review status: criteria provided, multiple submitters, no conflicts (2 of 4 stars). 2 submissions from 2 submitters: Uncertain significance (2). Last evaluated 2024-11-17.

Conditions:
Inborn genetic diseases. Identifiers: MedGen C0950123, MeSH D030342.
Fanconi anemia (FA). Also called: Fanconi's anemia. Identifiers: Orphanet 84, MedGen C0015625, MeSH D005199, MONDO:0019391.

Allele frequency attached by ClinVar (database versions not stated): gnomAD 0.00001; TOPMed 0.00001.
gnomAD v4.1: 3 of 1,613,196 alleles (0.00019%); highest among the groups gnomAD compares: African/African-American, 0.004%; no homozygotes.

Submissions (2):

Ambry Genetics
Classification: Uncertain significance for Inborn genetic diseases. Last evaluated: 2024-11-17. Review status: criteria provided, single submitter. Criteria: Ambry Variant Classification Scheme 2023. Collection method: clinical testing. Allele origin: germline.
Comment: The p.V970I variant (also known as c.2908G>A), located in coding exon 14 of the FANCM gene, results from a G to A substitution at nucleotide position 2908. The valine at codon 970 is replaced by isoleucine, an amino acid with highly similar properties. This amino acid position is conserved. In addition, this alteration is predicted to be tolerated by in silico analysis. Based on the available evidence, the clinical significance of this variant remains unclear.

Labcorp Genetics (formerly Invitae), Labcorp
Classification: Uncertain significance for Fanconi anemia. Last evaluated: 2022-08-17. Review status: criteria provided, single submitter. Criteria: Invitae Variant Classification Sherloc (09022015). Collection method: clinical testing. Allele origin: germline.
Comment: In summary, the available evidence is currently insufficient to determine the role of this variant in disease. Therefore, it has been classified as a Variant of Uncertain Significance. Algorithms developed to predict the effect of missense changes on protein structure and function (SIFT, PolyPhen-2, Align-GVGD) all suggest that this variant is likely to be tolerated. This variant has not been reported in the literature in individuals affected with FANCM-related conditions. This variant is not present in population databases (gnomAD no frequency). This sequence change replaces valine, which is neutral and non-polar, with isoleucine, which is neutral and non-polar, at codon 970 of the FANCM protein (p.Val970Ile).